The following is an entry in ClinVar:

NM_006031.6(PCNT):c.9049C>T (p.His3017Tyr)

Gene: PCNT (pericentrin; plus strand). Cytogenetic location: 21q22.3.
Variant type: single nucleotide variant.
Coding change: c.9049C>T on transcript NM_006031.6 (MANE Select); coding-DNA position 9049, C replaced by T.
Protein change: p.His3017Tyr; replaces histidine 3017 with tyrosine.
Molecular consequence: missense variant.
Genome position (GRCh38, 1-based): chr21:46,437,031, C>T. VCF-style: chr21-46437031-C-T. GRCh37 (hg19) VCF-style: chr21-47856944-C-T.
Other names: c.8458C>T, p.His2820Tyr (NM_001315529.2); short protein forms H2820Y, H3017Y.
Identifiers: ClinVar variation 3929696 (VCV003929696.2).

ClinVar aggregate classification (germline): Uncertain significance. Review status: criteria provided, multiple submitters, no conflicts (2 of 4 stars). 2 submissions from 2 submitters: Uncertain significance (2). Last evaluated 2026-06-16.

Conditions:
Inborn genetic diseases. Identifiers: MedGen C0950123, MeSH D030342.
PCNT-related disorder. Also called: PCNT-related condition.

gnomAD v4.1: 26 of 1,614,064 alleles (0.0016%); highest among the groups gnomAD compares: Non-Finnish European, 0.002%; no homozygotes.

Submissions (2):

PreventionGenetics, part of Exact Sciences
Classification: Uncertain significance for PCNT-related condition. Last evaluated: 2026-06-16. Review status: criteria provided, single submitter. Criteria: ACMG Guidelines, 2015. Collection method: clinical testing. Allele origin: germline.
Comment: The PCNT c.9049C>T variant is predicted to result in the amino acid substitution p.His3017Tyr. To our knowledge, this variant has not been reported in the literature. This variant is reported in 0.0026% of alleles in individuals of European (Non-Finnish) descent in gnomAD. At this time, the clinical significance of this variant is uncertain due to the absence of conclusive functional and genetic evidence.

Ambry Genetics
Classification: Uncertain significance for Inborn genetic diseases. Last evaluated: 2025-04-29. Review status: criteria provided, single submitter. Criteria: Ambry Variant Classification Scheme 2023. Collection method: clinical testing. Allele origin: germline.